The following is an entry in ClinVar:

NM_004548.3(NDUFB10):c.79A>G (p.Met27Val)

Gene: NDUFB10 (NADH:ubiquinone oxidoreductase subunit B10; plus strand). Cytogenetic location: 16p13.3.
Variant type: single nucleotide variant.
Coding change: c.79A>G on transcript NM_004548.3 (MANE Select); coding-DNA position 79, A replaced by G.
Protein change: p.Met27Val; replaces methionine 27 with valine.
Molecular consequence: missense variant.
Genome position (GRCh38, 1-based): chr16:1,959,703, A>G. VCF-style: chr16-1959703-A-G. GRCh37 (hg19) VCF-style: chr16-2009704-A-G.
Other names: short protein forms M27V.
Identifiers: ClinVar variation 3878520 (VCV003878520.2).

ClinVar aggregate classification (germline): Uncertain significance. Review status: criteria provided, multiple submitters, no conflicts (2 of 4 stars). 2 submissions from 2 submitters: Uncertain significance (2). Last evaluated 2025-08-23.

gnomAD v4.1: 85 of 1,613,346 alleles (0.0053%); highest among the groups gnomAD compares: Non-Finnish European, 0.007%; 1 homozygote.

Submissions (2):

Labcorp Genetics (formerly Invitae), Labcorp
Classification: Uncertain significance. Last evaluated: 2025-08-23. Review status: criteria provided, single submitter. Criteria: Invitae Variant Classification Sherloc (09022015). Collection method: clinical testing. Allele origin: germline.
Comment: This sequence change replaces methionine, which is neutral and non-polar, with valine, which is neutral and non-polar, at codon 27 of the NDUFB10 protein (p.Met27Val). This variant is present in population databases (rs760152803, gnomAD 0.004%). This variant has not been reported in the literature in individuals affected with NDUFB10-related conditions. ClinVar contains an entry for this variant (Variation ID: 3878520). An algorithm developed to predict the effect of missense changes on protein structure and function outputs the following: PolyPhen-2: "Benign". The valine amino acid residue is found in multiple mammalian species, which suggests that this missense change does not adversely affect protein function. In summary, the available evidence is currently insufficient to determine the role of this variant in disease. Therefore, it has been classified as a Variant of Uncertain Significance.

Ambry Genetics
Classification: Uncertain significance. Last evaluated: 2025-01-23. Review status: criteria provided, single submitter. Criteria: Ambry Variant Classification Scheme 2023. Collection method: clinical testing. Allele origin: germline.